The following is an entry in ClinVar:

NM_203447.4(DOCK8):c.4271_4272dup (p.Ile1425Ter)

Gene: DOCK8 (dedicator of cytokinesis 8; plus strand). Cytogenetic location: 9p24.3.
Variant type: Duplication.
Coding change: c.4271_4272dup on transcript NM_203447.4 (MANE Select); coding-DNA positions 4271 to 4272, 2 bases duplicated (TG; older notation c.4271_4272dupTG).
Protein change: p.Ile1425Ter; replaces isoleucine 1425 with a stop codon.
Molecular consequence: nonsense.
Genome position (GRCh38, 1-based): chr9:426,914-426,915, TG duplicated. VCF-style (leftmost placement, unchanged base first): chr9-426913-T-TTG. GRCh37 (hg19) VCF-style: chr9-426913-T-TTG.
Other names: c.3971_3972dup, p.Ile1325Ter (NM_001190458.2); c.4067_4068dup, p.Ile1357Ter (NM_001193536.2); short protein forms I1325*, I1357*, I1425*.
Identifiers: ClinVar variation 4891250 (VCV004891250.1).

ClinVar aggregate classification (germline): Pathogenic (1 of 4 stars; one submission).

Conditions:
Combined immunodeficiency due to DOCK8 deficiency (HIES2). Also called: HIES autosomal recessive; Hyper-IgE recurrent infection syndrome, autosomal recessive; HYPER-IgE RECURRENT INFECTION SYNDROME 2, AUTOSOMAL RECESSIVE; HYPER-IgE SYNDROME 2, AUTOSOMAL RECESSIVE, WITH RECURRENT INFECTIONS; DOCK8 Deficiency. Identifiers: Orphanet 217390, MedGen C4722305, MONDO:0009478, OMIM 243700.

Submission:

Clinical Genetics Laboratory, University Hospital Schleswig-Holstein
Classification: Pathogenic for Combined immunodeficiency due to DOCK8 deficiency. Last evaluated: 2025-10-16. Review status: criteria provided, single submitter. Criteria: ACMG Guidelines, 2015. Collection method: clinical testing. Allele origin: maternal. Affected: yes. Observed: 1 compound heterozygote.
Comment: ACMG criteria applied: PM2, PVS1, PM3